The following is an entry in ClinVar:

ClinVar aggregate classification (germline): Benign/Likely benign. Review status: criteria provided, multiple submitters, no conflicts (2 of 4 stars). 5 submissions from 5 submitters: Benign (3); Likely benign (2). Last evaluated 2026-09-01.

Conditions:
Cryopyrin associated periodic syndrome (CAPS). Identifiers: Orphanet 208650, MedGen C2316212, MONDO:0016168.

Allele frequency attached by ClinVar (database versions not stated): 1000 Genomes Project 0.00439; 1000 Genomes Project 30x 0.00468; ExAC 0.00495; gnomAD exomes 0.00518 and 0.00765; ESP Exome Variant Server 0.00592; gnomAD 0.00650 and 0.00667; TOPMed 0.00660.
gnomAD v4.1: 12,134 of 1,611,542 alleles (0.75%); highest among the groups gnomAD compares: Non-Finnish European, 0.93%; 64 homozygotes.

Submissions (5):

CeGaT Center for Human Genetics Tuebingen
Classification: Likely benign. Last evaluated: 2026-09-01. Review status: criteria provided, single submitter. Criteria: CeGaT Center For Human Genetics Tuebingen Variant Classification Criteria Version 2. Collection method: clinical testing. Allele origin: germline. Affected: yes. Observed: 53 variant alleles.
Comment: NLRP3: BS2

Labcorp Genetics (formerly Invitae), Labcorp
Classification: Benign for Cryopyrin associated periodic syndrome. Last evaluated: 2026-01-05. Review status: criteria provided, single submitter. Criteria: Invitae Variant Classification Sherloc (09022015). Collection method: clinical testing. Allele origin: germline.

ARUP Laboratories, Molecular Genetics and Genomics, ARUP Laboratories
Classification: Benign. Last evaluated: 2025-04-03. Review status: criteria provided, single submitter. Criteria: ARUP Molecular Germline Variant Investigation Process 2024. Collection method: clinical testing. Allele origin: germline.

Laboratory for Molecular Medicine, Mass General Brigham Personalized Medicine
Classification: Benign. Last evaluated: 2016-03-28. Review status: criteria provided, single submitter. Criteria: LMM Criteria. Collection method: clinical testing. Allele origin: germline.
Comment: Variant identified in a genome or exome case(s) and assessed due to predicted null impact of the variant or pathogenic assertions in the literature or databases. Disclaimer: This variant has not undergone full assessment. The following are preliminary notes: High allele frequency

Breakthrough Genomics
Classification: Likely benign. Review status: criteria provided, single submitter. Criteria: ACMG Guidelines, 2015. Collection method: not provided. Allele origin: germline. Inheritance: Autosomal dominant inheritance. Affected: yes.

NM_001243133.2(NLRP3):c.3005+25C>T

Gene: NLRP3 (NLR family pyrin domain containing 3; plus strand). Cytogenetic location: 1q44.
Variant type: single nucleotide variant.
Coding change: c.3005+25C>T on transcript NM_001243133.2 (MANE Select); 25 bases into the intron after coding-DNA position 3005, C replaced by T.
Molecular consequence: intron variant.
Genome position (GRCh38, 1-based): chr1:247,444,846, C>T. VCF-style: chr1-247444846-C-T. GRCh37 (hg19) VCF-style: chr1-247608148-C-T.
Other names: c.3011+25C>T (NM_004895.5); c.2834+25C>T (NM_001127461.3, NM_001127462.3); c.2663+25C>T (NM_183395.3); c.3005+25C>T (NM_001079821.3).
Identifiers: ClinVar variation 403244 (VCV000403244.65), dbSNP rs61841189, ClinGen allele CA1495415.
Genomic context (GRCh38, chr1:247,444,846, plus strand): 5'-GCTGAAACAGCAGAGCTGCCTCCTGCAGAACCTGGGGTGAGTGTGCTCTGCAGAGATGCC[C>T]GTGGTGGGACTCTGAGTTCTCAGGAAACGTTGACTGTTATCAAAATCCAGGATGGCTCTC-3'